The following is an entry in ClinVar:

ClinVar aggregate classification (germline): Uncertain significance. Review status: criteria provided, multiple submitters, no conflicts (2 of 4 stars). 2 submissions from 2 submitters: Uncertain significance (2). Last evaluated 2025-10-24.

Allele frequency attached by ClinVar (database versions not stated): gnomAD exomes 0.00001; ExAC 0.00001; TOPMed 0.00002.
gnomAD v4.1: 3 of 1,613,944 alleles (0.00019%); highest among the groups gnomAD compares: African/African-American, 0.0013%; no homozygotes.

Submissions (2):

Ambry Genetics
Classification: Uncertain significance. Last evaluated: 2025-10-24. Review status: criteria provided, single submitter. Criteria: Ambry Variant Classification Scheme 2023. Collection method: clinical testing. Allele origin: germline.

Labcorp Genetics (formerly Invitae), Labcorp
Classification: Uncertain significance. Last evaluated: 2022-07-11. Review status: criteria provided, single submitter. Criteria: Invitae Variant Classification Sherloc (09022015). Collection method: clinical testing. Allele origin: germline.
Comment: This sequence change replaces glutamine, which is neutral and polar, with glutamic acid, which is acidic and polar, at codon 894 of the CEP250 protein (p.Gln894Glu). This variant is present in population databases (rs748752719, gnomAD 0.007%). This variant has not been reported in the literature in individuals affected with CEP250-related conditions. Algorithms developed to predict the effect of missense changes on protein structure and function are either unavailable or do not agree on the potential impact of this missense change (SIFT: "Not Available"; PolyPhen-2: "Benign"; Align-GVGD: "Not Available"). In summary, the available evidence is currently insufficient to determine the role of this variant in disease. Therefore, it has been classified as a Variant of Uncertain Significance.

NM_007186.6(CEP250):c.2680C>G (p.Gln894Glu)

Genes: CEP250 (centrosomal protein 250; plus strand), CEP250-AS1 (CEP250 antisense RNA 1; minus strand). Cytogenetic location: 20q11.22.
Variant type: single nucleotide variant.
Coding change: c.2680C>G on transcript NM_007186.6 (MANE Select); coding-DNA position 2680, C replaced by G.
Protein change: p.Gln894Glu; replaces glutamine 894 with glutamic acid.
Molecular consequence: missense variant.
Genome position (GRCh38, 1-based): chr20:35,490,730, C>G. VCF-style: chr20-35490730-C-G. GRCh37 (hg19) VCF-style: chr20-34078556-C-G.
Other names: c.2680C>G (NM_007186.3); c.784C>G, p.Gln262Glu (NM_001318219.1); short protein forms Q262E, Q894E.
Identifiers: ClinVar variation 1957618 (VCV001957618.3), dbSNP rs748752719, ClinGen allele CA9833250.